The following is an entry in ClinVar:

ClinVar aggregate classification (germline): Uncertain significance (1 of 4 stars; one submission).

Allele frequency attached by ClinVar (database versions not stated): gnomAD exomes below 0.00001; gnomAD 0.00001; TOPMed 0.00001.

Submission:

GeneDx
Classification: Uncertain significance. Last evaluated: 2013-03-28. Review status: criteria provided, single submitter. Criteria: GeneDx Variant Classification (06012015). Collection method: clinical testing. Allele origin: germline. Affected: yes.
Comment: p.Ser392Asn (AGC>AAC): c.1175 G>A in exon 2 of the SLC2A10 gene (NM_030777.3). The Ser392Asn variant in the SLC2A10 gene has not been reported as a disease-causing mutation nor as a benign polymorphism to our knowledge. Ser392Asn results in a conservative amino acid substitution of one neutral, polar amino acid with another at a position that is not well conserved across species. In silico analysis predicts Ser392Asn is benign to the protein structure/function. No mutations in nearby codons have been reported in association with arterial tortuosity syndrome (ATS) or a related disorder. However, the Ser392Asn variant was not observed in approximately 6,500 individuals of European and African American ancestry in the NHLBI Exome Sequencing Project, indicating it is not a common benign variant in these populations. With the clinical and molecular information available at this time, we cannot definitively determine if Ser392Asn is a disease-causing mutation or a rare benign variant. This variant was found in TAAD

NM_030777.4(SLC2A10):c.1175G>A (p.Ser392Asn)

Gene: SLC2A10 (solute carrier family 2 member 10; plus strand). Cytogenetic location: 20q13.12.
Variant type: single nucleotide variant.
Coding change: c.1175G>A on transcript NM_030777.4 (MANE Select); coding-DNA position 1175, G replaced by A.
Protein change: p.Ser392Asn; replaces serine 392 with asparagine.
Molecular consequence: missense variant.
Genome position (GRCh38, 1-based): chr20:46,726,211, G>A. VCF-style: chr20-46726211-G-A. GRCh37 (hg19) VCF-style: chr20-45354850-G-A.
Other names: p.S392N:AGC>AAC; short protein forms S392N.
Identifiers: ClinVar variation 213734 (VCV000213734.2), dbSNP rs863223733, ClinGen allele CA322597.
Genomic context (GRCh38, chr20:46,726,211, plus strand): 5'-AGAAAACCAAGCCCCATCCCAGATCTGGAGACCCCTCAGCCCCTCCTCGGCTGGCCCTGA[G>A]CTCTGCCCTCCCTGGGCCCCCTCTGCCCGCTCGGGGGCATGCACTGCTGCGCTGGACCGC-3'
Protein context (NP_110404.1, residues 382-402): DPSAPPRLAL[Ser392Asn]SALPGPPLPA